The following is an entry in ClinVar:

ClinVar aggregate classification (germline): Uncertain significance. Review status: criteria provided, multiple submitters, no conflicts (2 of 4 stars). 3 submissions from 3 submitters: Uncertain significance (3). Last evaluated 2022-08-09.

Conditions:
Inborn genetic diseases. Identifiers: MedGen C0950123, MeSH D030342.

Allele frequency attached by ClinVar (database versions not stated): gnomAD 0.00001; TOPMed 0.00001; gnomAD exomes 0.00002 and 0.00004; ExAC 0.00003.
gnomAD v4.1: 38 of 1,614,116 alleles (0.0024%); highest among the groups gnomAD compares: South Asian, 0.03%; 1 homozygote.

Submissions (3):

Labcorp Genetics (formerly Invitae), Labcorp
Classification: Uncertain significance. Last evaluated: 2022-08-09. Review status: criteria provided, single submitter. Criteria: Invitae Variant Classification Sherloc (09022015). Collection method: clinical testing. Allele origin: germline.
Comment: This sequence change replaces serine, which is neutral and polar, with phenylalanine, which is neutral and non-polar, at codon 1539 of the CAD protein (p.Ser1539Phe). This variant is present in population databases (rs769036374, gnomAD 0.03%), including at least one homozygous and/or hemizygous individual. This variant has not been reported in the literature in individuals affected with CAD-related conditions. ClinVar contains an entry for this variant (Variation ID: 1512318). Algorithms developed to predict the effect of missense changes on protein structure and function are either unavailable or do not agree on the potential impact of this missense change (SIFT: "Tolerated"; PolyPhen-2: "Possibly Damaging"; Align-GVGD: "Class C0"). In summary, the available evidence is currently insufficient to determine the role of this variant in disease. Therefore, it has been classified as a Variant of Uncertain Significance.

Ambry Genetics
Classification: Uncertain significance for Inborn genetic diseases. Last evaluated: 2020-12-31. Review status: criteria provided, single submitter. Criteria: Ambry Variant Classification Scheme 2023. Collection method: clinical testing. Allele origin: germline.
Comment: The c.4616C>T (p.S1539F) alteration is located in exon 29 (coding exon 29) of the CAD gene. This alteration results from a C to T substitution at nucleotide position 4616, causing the serine (S) at amino acid position 1539 to be replaced by a phenylalanine (F). The p.S1539F alteration is predicted to be tolerated by in silico analysis. Based on insufficient or conflicting evidence, the clinical significance of this alteration remains unclear.

Breakthrough Genomics
Classification: Uncertain significance. Review status: criteria provided, single submitter. Criteria: ACMG Guidelines, 2015. Collection method: not provided. Allele origin: germline. Inheritance: Autosomal recessive inheritance. Affected: yes.

NM_004341.5(CAD):c.4616C>T (p.Ser1539Phe)

Gene: CAD (carbamoyl-phosphate synthetase 2, aspartate transcarbamylase, and dihydroorotase; plus strand). Cytogenetic location: 2p23.3.
Variant type: single nucleotide variant.
Coding change: c.4616C>T on transcript NM_004341.5 (MANE Select); coding-DNA position 4616, C replaced by T.
Protein change: p.Ser1539Phe; replaces serine 1539 with phenylalanine.
Molecular consequence: missense variant.
Genome position (GRCh38, 1-based): chr2:27,237,770, C>T. VCF-style: chr2-27237770-C-T. GRCh37 (hg19) VCF-style: chr2-27460638-C-T.
Other names: c.4427C>T, p.Ser1476Phe (NM_001306079.2); c.4616C>T (NM_004341.3); short protein forms S1476F, S1539F.
Identifiers: ClinVar variation 1512318 (VCV001512318.5), dbSNP rs769036374, ClinGen allele CA1573595.